The following is an entry in ClinVar:

ClinVar aggregate classification (germline): Uncertain significance (1 of 4 stars; one submission).

gnomAD v4.1: 2 of 1,608,834 alleles (0.00012%); highest among the groups gnomAD compares: African/African-American, 0.0013%; no homozygotes.

Submission:

GeneDx
Classification: Uncertain significance. Last evaluated: 2025-04-08. Review status: criteria provided, single submitter. Criteria: GeneDx Variant Classification Process June 2021. Collection method: clinical testing. Allele origin: germline. Affected: yes.
Comment: Not observed at significant frequency in large population cohorts (gnomAD); In silico analysis indicates that this missense variant does not alter protein structure/function; Has not been previously published as pathogenic or benign to our knowledge

NM_001009944.3(PKD1):c.8245G>A (p.Ala2749Thr)

Gene: PKD1 (polycystin 1, transient receptor potential channel interacting; minus strand). Cytogenetic location: 16p13.3.
Variant type: single nucleotide variant.
Coding change: c.8245G>A on transcript NM_001009944.3 (MANE Select); coding-DNA position 8245, G replaced by A.
Protein change: p.Ala2749Thr; replaces alanine 2749 with threonine.
Molecular consequence: missense variant.
Genome position (GRCh38, 1-based): chr16:2,103,812, C>T on the plus strand (G>A on the coding strand, the complement: PKD1 is on the minus strand). VCF-style: chr16-2103812-C-T. GRCh37 (hg19) VCF-style: chr16-2153813-C-T.
Other names: c.8245G>A, p.Ala2749Thr (NM_000296.4); short protein forms A2749T.
Identifiers: ClinVar variation 4281747 (VCV004281747.1).
Genomic context (GRCh38, chr16:2,103,812, plus strand): 5'-GCACGCGGGAGCGCATGAGGATGCGCATGAGGGCAGAGGTCAGGTTGTAGGCCTGGGACG[C>T]CACCATCCGAGATGGTGACTCGGCTCCCAGCTCTGAGGGCTGTGGTGCCCGCACGTCCGA-3'
Protein context (NP_001009944.3, residues 2739-2759): LGAESPSRMV[Ala2749Thr]SQAYNLTSAL